The following is an entry in ClinVar:

ClinVar aggregate classification (germline): Uncertain significance (1 of 4 stars; one submission).

Submission:

Labcorp Genetics (formerly Invitae), Labcorp
Classification: Uncertain significance. Last evaluated: 2024-02-16. Review status: criteria provided, single submitter. Criteria: Invitae Variant Classification Sherloc (09022015). Collection method: clinical testing. Allele origin: germline.
Comment: This sequence change replaces glycine, which is neutral and non-polar, with alanine, which is neutral and non-polar, at codon 1291 of the POLR1A protein (p.Gly1291Ala). This variant is not present in population databases (gnomAD no frequency). This variant has not been reported in the literature in individuals affected with POLR1A-related conditions. Advanced modeling of protein sequence and biophysical properties (such as structural, functional, and spatial information, amino acid conservation, physicochemical variation, residue mobility, and thermodynamic stability) performed at Invitae indicates that this missense variant is not expected to disrupt POLR1A protein function with a negative predictive value of 80%. In summary, the available evidence is currently insufficient to determine the role of this variant in disease. Therefore, it has been classified as a Variant of Uncertain Significance.

NM_015425.6(POLR1A):c.3872G>C (p.Gly1291Ala)

Genes: POLR1A (RNA polymerase I subunit A; minus strand), LOC106783498 (conserved acetylation island sequence 34 enhancer; plus strand). Cytogenetic location: 2p11.2.
Variant type: single nucleotide variant.
Coding change: c.3872G>C on transcript NM_015425.6 (MANE Select); coding-DNA position 3872, G replaced by C.
Protein change: p.Gly1291Ala; replaces glycine 1291 with alanine.
Molecular consequence: missense variant.
Genome position (GRCh38, 1-based): chr2:86,039,331, C>G on the plus strand (G>C on the coding strand, the complement: POLR1A is on the minus strand). VCF-style: chr2-86039331-C-G. GRCh37 (hg19) VCF-style: chr2-86266454-C-G.
Other names: short protein forms G1291A.
Identifiers: ClinVar variation 3623188 (VCV003623188.2).
Genomic context (GRCh38, chr2:86,039,331, plus strand): 5'-GAGGATATAGGAACATGCCTTCACCCCGTCTGCAACCTGGGAAGGAGAGACGTTACCTCC[C>G]CCAAGCACACCCTGGTGAGTTGCTTCTTCAGGCTTTTCACTCTCTTCAGGGCTTTCTTGG-3'
Protein context (NP_056240.2, residues 1281-1301): LKKQLTRVCL[Gly1291Ala]EVLQKIDVQE